The following is an entry in ClinVar:

NM_014908.4(DOLK):c.1139G>A (p.Arg380His)

Gene: DOLK (dolichol kinase; minus strand). Cytogenetic location: 9q34.11.
Variant type: single nucleotide variant.
Coding change: c.1139G>A on transcript NM_014908.4 (MANE Select); coding-DNA position 1139, G replaced by A.
Protein change: p.Arg380His; replaces arginine 380 with histidine.
Molecular consequence: missense variant.
Genome position (GRCh38, 1-based): chr9:128,946,165, C>T on the plus strand (G>A on the coding strand, the complement: DOLK is on the minus strand). VCF-style: chr9-128946165-C-T. GRCh37 (hg19) VCF-style: chr9-131708444-C-T.
Other names: short protein forms R380H.
Identifiers: ClinVar variation 532851 (VCV000532851.11), dbSNP rs553112177, ClinGen allele CA5271622.
Genomic context (GRCh38, chr9:128,946,165, plus strand): 5'-TCTCGTTCATCCAGAAAAAGGGACAGGAAGCTCCGTAGAGTGTGACCCAAAGGCTTGATG[C>T]GGAAGTAGCGCACATACTCCAGGAAGATGAAGACCGCCAGGCATACAGTGGCGGCTACAT-3'
Protein context (NP_055723.1, residues 370-390): FIFLEYVRYF[Arg380His]IKPLGHTLRS

ClinVar aggregate classification (germline): Uncertain significance. Review status: criteria provided, multiple submitters, no conflicts (2 of 4 stars). 3 submissions from 3 submitters: Uncertain significance (3). Last evaluated 2023-08-02.

Conditions:
DK1-congenital disorder of glycosylation. Also called: CONGENITAL DISORDER OF GLYCOSYLATION, TYPE Im; CDG Im; DK1 DEFICIENCY; DOLICHOL KINASE DEFICIENCY; DOLK-congenital disorder of glycosylation; Carbohydrate deficient glycoprotein syndrome type 1m. Identifiers: Orphanet 91131, MedGen C1835849, MONDO:0012556, OMIM 610768.
Cardiovascular phenotype. Identifiers: MedGen CN230736.

Allele frequency attached by ClinVar (database versions not stated): ExAC 0.00004; gnomAD exomes 0.00005 and 0.00006; TOPMed 0.00005; gnomAD 0.00006.

Submissions (3):

GeneDx
Classification: Uncertain significance. Last evaluated: 2023-08-02. Review status: criteria provided, single submitter. Criteria: GeneDx Variant Classification Process June 2021. Collection method: clinical testing. Allele origin: germline. Affected: yes.
Comment: Not observed at significant frequency in large population cohorts (gnomAD); In silico analysis supports that this missense variant does not alter protein structure/function; Observed in an individual with Takotsubo syndrome in published literature (Borchert et al., 2017); This variant is associated with the following publications: (PMID: 28818208)

Ambry Genetics
Classification: Uncertain significance for Cardiovascular phenotype. Last evaluated: 2023-04-17. Review status: criteria provided, single submitter. Criteria: Ambry Variant Classification Scheme 2023. Collection method: clinical testing. Allele origin: germline.
Comment: The p.R380H variant (also known as c.1139G>A), located in coding exon 1 of the DOLK gene, results from a G to A substitution at nucleotide position 1139. The arginine at codon 380 is replaced by histidine, an amino acid with highly similar properties. This variant co-occurred with another variant in a cardiac-related gene in an individual from a takotsubo cardiomyopathy cohort (Borchert T et al. J. Am. Coll. Cardiol., 2017 Aug;70:975-991). This amino acid position is highly conserved in available vertebrate species. In addition, the in silico prediction for this alteration is inconclusive. Since supporting evidence is limited at this time, the clinical significance of this alteration remains unclear.

Labcorp Genetics (formerly Invitae), Labcorp
Classification: Uncertain significance for DK1-congenital disorder of glycosylation. Last evaluated: 2022-09-13. Review status: criteria provided, single submitter. Criteria: Invitae Variant Classification Sherloc (09022015). Collection method: clinical testing. Allele origin: germline.
Comment: This sequence change replaces arginine, which is basic and polar, with histidine, which is basic and polar, at codon 380 of the DOLK protein (p.Arg380His). This variant is present in population databases (rs553112177, gnomAD 0.01%). This variant has not been reported in the literature in individuals affected with DOLK-related conditions. ClinVar contains an entry for this variant (Variation ID: 532851). Advanced modeling of protein sequence and biophysical properties (such as structural, functional, and spatial information, amino acid conservation, physicochemical variation, residue mobility, and thermodynamic stability) performed at Invitae indicates that this missense variant is not expected to disrupt DOLK protein function. In summary, the available evidence is currently insufficient to determine the role of this variant in disease. Therefore, it has been classified as a Variant of Uncertain Significance.

Literature cited by the submitters: PubMed 28818208 (cited by Ambry Genetics).